The following is an entry in ClinVar:

ClinVar aggregate classification (germline): Uncertain significance. Review status: criteria provided, multiple submitters, no conflicts (2 of 4 stars). 3 submissions from 3 submitters: Uncertain significance (3). Last evaluated 2023-04-11.

Conditions:
Microcephaly 5, primary, autosomal recessive (MCPH5). Also called: ASPM Primary Microcephaly. Identifiers: Orphanet 2512, MedGen C1837501, MONDO:0012106, OMIM 608716.

Submissions (3):

Genome-Nilou Lab
Classification: Uncertain significance for Microcephaly 5, primary, autosomal recessive. Last evaluated: 2023-04-11. Review status: criteria provided, single submitter. Criteria: ACMG Guidelines, 2015. Collection method: clinical testing. Allele origin: germline. Affected: no.

Labcorp Genetics (formerly Invitae), Labcorp
Classification: Uncertain significance. Last evaluated: 2022-06-02. Review status: criteria provided, single submitter. Criteria: Invitae Variant Classification Sherloc (09022015). Collection method: clinical testing. Allele origin: germline.
Comment: This variant, c.7969_7971del, results in the deletion of 1 amino acid(s) of the ASPM protein (p.Arg2657del), but otherwise preserves the integrity of the reading frame. This variant is present in population databases (rs775391911, gnomAD 0.04%). This variant has not been reported in the literature in individuals affected with ASPM-related conditions. ClinVar contains an entry for this variant (Variation ID: 1029676). Experimental studies and prediction algorithms are not available or were not evaluated, and the functional significance of this variant is currently unknown. In summary, the available evidence is currently insufficient to determine the role of this variant in disease. Therefore, it has been classified as a Variant of Uncertain Significance.

Baylor Genetics
Classification: Uncertain significance for Microcephaly 5, primary, autosomal recessive. Last evaluated: 2019-03-29. Review status: criteria provided, single submitter. Criteria: ACMG Guidelines, 2015. Collection method: clinical testing. Allele origin: unknown. Affected: yes.
Comment: This variant was determined to be of uncertain significance according to ACMG Guidelines, 2015 [PMID:25741868].

NM_018136.5(ASPM):c.7966AGA[1] (p.Arg2657del)

Gene: ASPM (assembly factor for spindle microtubules; minus strand). Cytogenetic location: 1q31.3.
Variant type: Microsatellite.
Coding change: c.7966AGA[1] on transcript NM_018136.5 (MANE Select); one copy of the 3-base unit AGA starting at c.7966; the reference has two copies in a row; one copy, 3 bases deleted.
Protein change: p.Arg2657del; deletes arginine 2657.
Molecular consequence: inframe deletion. On other transcripts: intron variant (1).
Genome position (GRCh38, 1-based): chr1:197,101,280-197,101,282, TCT deleted on the plus strand (AGA on the coding strand, the reverse complement: ASPM is on the minus strand); deleting any 3 consecutive bases within chr1:197,101,280-197,101,286 gives the same sequence; the position shown is the placement nearest the transcript's 3' end. VCF-style (leftmost placement, unchanged base first): chr1-197101279-ATCT-A. GRCh37 (hg19) VCF-style: chr1-197070409-ATCT-A.
Other names: c.4066-5118_4066-5116del (NM_001206846.2); short protein forms R2657del.
Identifiers: ClinVar variation 1029676 (VCV001029676.3), dbSNP rs775391911, ClinGen allele CA1309307.